The following is an entry in ClinVar:

ClinVar aggregate classification (germline): Likely benign. Review status: reviewed by expert panel (3 of 4 stars). 2 submissions from 2 submitters: Likely benign (1). 1 of the submissions does not count toward it. Last evaluated 2025-12-19.

Conditions:
Immunodeficiency 14 (IMD14A). Also called: ACTIVATED PI3K-DELTA SYNDROME 1; IMMUNODEFICIENCY 14A WITH LYMPHOPROLIFERATION, AUTOSOMAL DOMINANT; Activated PI3K Delta Syndrome Type 1 (APDS1); p110-DELTA-ACTIVATING MUTATION CAUSING SENESCENT T CELLS, LYMPHADENOPATHY, AND IMMUNODEFICIENCY. Identifiers: Orphanet 397596, Orphanet 693661, MedGen C5907821, MONDO:0014222, OMIM 615513.

Allele frequency attached by ClinVar (database versions not stated): gnomAD exomes 0.00002 and 0.00001; TOPMed 0.00003; gnomAD 0.00005 and 0.00006; ExAC 0.00002.
gnomAD v4.1: 16 of 1,612,198 alleles (0.00099%); highest among the groups gnomAD compares: African/African-American, 0.019%; no homozygotes.

Submissions (2):

ClinGen Primary Immune Regulatory Disorders Variant Curation Expert Panel, ClinGen
Classification: Likely benign for Immunodeficiency 14. Last evaluated: 2025-12-19. Review status: reviewed by expert panel. Criteria: ClinGen AbDef ACMG Specifications PIK3CD V1.0.0. Collection method: curation. Allele origin: germline. Inheritance: Autosomal dominant inheritance.
Comment: NM_005026.5(PIK3CD):c.455C>T (p.Ala152Val) is a missense variant that causes substitution of alanine by valine at amino acid 152. Another missense variant in the same codon, NM_005026.5(PIK3CD):c.454G>A (p.Ala152Thr), (PMID: 33809703) has been classified as a VUS for immunodeficiency 14 by the ClinGen Antibody Deficiencies VCEP, so PM5_Supporting is not met. This variant is present in gnomAD v4.1.0 at a total combined allele frequency of 0.000009924, with 16 alleles / 1,612,198 total alleles across all populations of gnomAD, which is higher than the ClinGen Antibody Deficiencies VCEP PM2_Supporting threshold of <0.00000132. The variant is present in gnomAD v.4.1.0 at a GrpMax allele frequency of 0.0001120, with 14 alleles / 74,946 total alleles in the African/African American population, which is lower than the BS1 threshold of >0.000316, so no population code can be applied. The computational predictor REVEL gives a score of 0.056, which is below the ClinGen Antibody Deficiencies VCEP threshold of <0.290 and predicts a non-damaging effect on PIK3CD function. The computational predictor CADD gives a PHRED score of 7.824, which is below the ClinGen Antibody Deficiencies VCEP threshold of <22.7 and predicts a non-deleterious effect on PIK3CD function. The two predictors agree on a non-damaging effect (BP4). In summary, this variant meets the criteria to be classified as likely benign for autosomal dominant immunodeficiency 14 based on the ACMG/AMP criteria applied, as specified by the ClinGen Antibody Deficiencies VCEP: BP4. (VCEP specifications version 1.0.0).

Labcorp Genetics (formerly Invitae), Labcorp
Classification: Uncertain significance for Activated PI3K-delta syndrome. Last evaluated: 2020-08-17. Review status: criteria provided, single submitter. Criteria: Invitae Variant Classification Sherloc (09022015). Collection method: clinical testing. Allele origin: germline. Not counted in ClinVar's aggregate classification.
Comment: This sequence change replaces alanine with valine at codon 152 of the PIK3CD protein (p.Ala152Val). The alanine residue is moderately conserved and there is a small physicochemical difference between alanine and valine. The frequency data for this variant in the population databases is considered unreliable, as metrics indicate poor data quality at this position in the ExAC database. In summary, the available evidence is currently insufficient to determine the role of this variant in disease. Therefore, it has been classified as a Variant of Uncertain Significance. Algorithms developed to predict the effect of missense changes on protein structure and function output the following: SIFT: "Tolerated"; PolyPhen-2: "Benign"; Align-GVGD: "Class C0". The valine amino acid residue is found in multiple mammalian species, suggesting that this missense change does not adversely affect protein function. These predictions have not been confirmed by published functional studies and their clinical significance is uncertain. This variant has not been reported in the literature in individuals with PIK3CD-related conditions.

NM_005026.5(PIK3CD):c.455C>T (p.Ala152Val)

Gene: PIK3CD (phosphatidylinositol-4,5-bisphosphate 3-kinase catalytic subunit delta; plus strand). Cytogenetic location: 1p36.22.
Variant type: single nucleotide variant.
Coding change: c.455C>T on transcript NM_005026.5 (MANE Select); coding-DNA position 455, C replaced by T.
Protein change: p.Ala152Val; replaces alanine 152 with valine.
Molecular consequence: missense variant.
Genome position (GRCh38, 1-based): chr1:9,715,933, C>T. VCF-style: chr1-9715933-C-T. GRCh37 (hg19) VCF-style: chr1-9775991-C-T.
Other names: NM_005026.5(PIK3CD):c.455C>T; p.Ala152Val; c.455C>T, p.Ala152Val (NM_001350234.2, NM_001350235.1); short protein forms A152V.
Identifiers: ClinVar variation 1026085 (VCV001026085.9), dbSNP rs755788138, ClinGen allele CA576881.